The following is an entry in ClinVar:

ClinVar aggregate classification (germline): Likely benign (1 of 4 stars; one submission).

Allele frequency attached by ClinVar (database versions not stated): gnomAD 0.00013 and 0.00011; gnomAD exomes 0.00001; ExAC 0.00003; TOPMed 0.00007 and 0.00012; ESP Exome Variant Server 0.00008.
gnomAD v4.1: 30 of 1,593,300 alleles (0.0019%); highest among the groups gnomAD compares: African/African-American, 0.032%; no homozygotes.

Submission:

GeneDx
Classification: Likely benign. Last evaluated: 2018-06-05. Review status: criteria provided, single submitter. Criteria: GeneDx Variant Classification (06012015). Collection method: clinical testing. Allele origin: germline. Affected: yes.
Comment: This variant is considered likely benign or benign based on one or more of the following criteria: it is a conservative change, it occurs at a poorly conserved position in the protein, it is predicted to be benign by multiple in silico algorithms, and/or has population frequency not consistent with disease.

NM_001148.6(ANK2):c.2376+11C>T

Gene: ANK2 (ankyrin 2; plus strand). Cytogenetic location: 4q26.
Variant type: single nucleotide variant.
Coding change: c.2376+11C>T on transcript NM_001148.6 (MANE Select); 11 bases into the intron after coding-DNA position 2376, C replaced by T.
Molecular consequence: intron variant.
Genome position (GRCh38, 1-based): chr4:113,292,525, C>T. VCF-style: chr4-113292525-C-T. GRCh37 (hg19) VCF-style: chr4-114213681-C-T.
Other names: c.2364+11C>T (NM_001386186.2, NM_001386148.2); c.2166+11C>T (NM_001354269.3); c.2340+11C>T (NM_001386187.2); c.2334+11C>T (NM_001386147.1, NM_001386160.1, NM_001354261.2); c.2313+11C>T (NM_001354254.2, NM_001354239.2, NM_001354252.2 and 10 more transcripts); c.2214+11C>T (NM_001354253.2, NM_001354270.2, NM_001354257.2 and 1 more transcripts); c.2289+11C>T (NM_001354249.2, NM_001354266.2, NM_001354276.2 and 10 more transcripts); c.2190+11C>T (NM_001386151.1, NM_001354260.2, NM_001354271.2); and 8 more.
Identifiers: ClinVar variation 668695 (VCV000668695.1), dbSNP rs376453402, ClinGen allele CA3050529.
Genomic context (GRCh38, chr4:113,292,525, plus strand): 5'-TCATCAACGTCCTGCTCCAGCATGGGGCCAAGCCCAACGCCACCACTGCGGTAAGGCAGA[C>T]GCCACTGCCCCTCACCACGCTTTCTTCTTTTTCCTCTCTTGCCCTGGTGGCTTCTTGTCT-3'